The following is an entry in ClinVar:

ClinVar aggregate classification (germline): Conflicting classifications of pathogenicity. Review status: criteria provided, conflicting classifications (1 of 4 stars). 2 submissions from 2 submitters: Uncertain significance (1); Likely benign (1). Last evaluated 2023-07-01.

Allele frequency attached by ClinVar (database versions not stated): 1000 Genomes Project 0.00020; 1000 Genomes Project 30x 0.00031; ExAC 0.00061; ESP Exome Variant Server 0.00110.
gnomAD v4.1: 2,001 of 1,551,412 alleles (0.13%); highest among the groups gnomAD compares: Non-Finnish European, 0.16%; 2 homozygotes.

Submissions (2):

CeGaT Center for Human Genetics Tuebingen
Classification: Likely benign. Last evaluated: 2023-07-01. Review status: criteria provided, single submitter. Criteria: CeGaT Center For Human Genetics Tuebingen Variant Classification Criteria Version 2. Collection method: clinical testing. Allele origin: germline. Affected: yes. Observed: 1 variant allele.
Comment: DNAH14: BP4

Ambry Genetics
Classification: Uncertain significance. Last evaluated: 2023-03-13. Review status: criteria provided, single submitter. Criteria: Ambry Variant Classification Scheme 2023. Collection method: clinical testing. Allele origin: germline.

NM_001367479.1(DNAH14):c.9670G>A (p.Val3224Ile)

Gene: DNAH14 (dynein axonemal heavy chain 14; plus strand). Cytogenetic location: 1q42.12.
Variant type: single nucleotide variant.
Coding change: c.9670G>A on transcript NM_001367479.1 (MANE Select); coding-DNA position 9670, G replaced by A.
Protein change: p.Val3224Ile; replaces valine 3224 with isoleucine.
Molecular consequence: missense variant.
Genome position (GRCh38, 1-based): chr1:225,324,779, G>A. VCF-style: chr1-225324779-G-A. GRCh37 (hg19) VCF-style: chr1-225512481-G-A.
Other names: NM_001373.1:c.9391G>A; short protein forms V3224I.
Identifiers: ClinVar variation 2454508 (VCV002454508.26), dbSNP rs200310916, ClinGen allele CA1416555.
Genomic context (GRCh38, chr1:225,324,779, plus strand): 5'-TCTGACATTCTCTTTAAGGTTGTGGGCCCTAAACAAATCCAAGTAGCTGAAGCTCAAAAC[G>A]TCCTTAAAATTGCGCGACAAAGACTTGCTGAGAAACAAAGAGGTTTACAGCTGGTAAGAA-3'
Protein context (NP_001354408.1, residues 3214-3234): KQIQVAEAQN[Val3224Ile]LKIARQRLAE